The following is an entry in ClinVar:

NM_000744.7(CHRNA4):c.1677C>T (p.Pro559=)

Gene: CHRNA4 (cholinergic receptor nicotinic alpha 4 subunit; minus strand). Cytogenetic location: 20q13.33.
Variant type: single nucleotide variant.
Coding change: c.1677C>T on transcript NM_000744.7 (MANE Select); coding-DNA position 1677, C replaced by T.
Protein change: p.Pro559=; no amino-acid change (proline 559 retained).
Molecular consequence: synonymous variant. On other transcripts: non-coding transcript variant (1).
Genome position (GRCh38, 1-based): chr20:63,349,734, G>A on the plus strand (C>T on the coding strand, the complement: CHRNA4 is on the minus strand). VCF-style: chr20-63349734-G-A. GRCh37 (hg19) VCF-style: chr20-61981086-G-A.
Other names: c.1149C>T, p.Pro383= (NM_001256573.2).
Identifiers: ClinVar variation 669373 (VCV000669373.34), dbSNP rs767662388, ClinGen allele CA9957553.

ClinVar aggregate classification (germline): Likely benign. Review status: criteria provided, multiple submitters, no conflicts (2 of 4 stars). 3 submissions from 3 submitters: Likely benign (3). Last evaluated 2024-02-14.

Conditions:
Familial sleep-related hypermotor epilepsy. Also called: Autosomal Dominant Sleep-Related Hypermotor (Hyperkinetic) Epilepsy. Identifiers: Orphanet 98784, MedGen C3696898, MONDO:0000030.

Allele frequency attached by ClinVar (database versions not stated): TOPMed below 0.00001; ExAC 0.00001; gnomAD 0.00001; gnomAD exomes 0.00001.
gnomAD v4.1: 10 of 1,612,616 alleles (0.00062%); highest among the groups gnomAD compares: Admixed American, 0.0017%; no homozygotes.

Submissions (3):

Labcorp Genetics (formerly Invitae), Labcorp
Classification: Likely benign. Last evaluated: 2024-02-14. Review status: criteria provided, single submitter. Criteria: Invitae Variant Classification Sherloc (09022015). Collection method: clinical testing. Allele origin: germline.

CeGaT Center for Human Genetics Tuebingen
Classification: Likely benign. Last evaluated: 2023-07-01. Review status: criteria provided, single submitter. Criteria: CeGaT Center For Human Genetics Tuebingen Variant Classification Criteria Version 2. Collection method: clinical testing. Allele origin: germline. Affected: yes. Observed: 1 variant allele.
Comment: CHRNA4: BP4, BP7

GeneDx
Classification: Likely benign. Last evaluated: 2018-06-06. Review status: criteria provided, single submitter. Criteria: GeneDx Variant Classification (06012015). Collection method: clinical testing. Allele origin: germline. Affected: yes.
Comment: This variant is considered likely benign or benign based on one or more of the following criteria: it is a conservative change, it occurs at a poorly conserved position in the protein, it is predicted to be benign by multiple in silico algorithms, and/or has population frequency not consistent with disease.